The following is an entry in ClinVar:

ClinVar aggregate classification (germline): Uncertain significance (1 of 4 stars; one submission).

Conditions:
Autosomal dominant nonsyndromic hearing loss 1. Also called: DEAFNESS, AUTOSOMAL DOMINANT 1, WITH OR WITHOUT THROMBOCYTOPENIA; KONIGSMARK SYNDROME. Identifiers: Orphanet 90635, MedGen C1852282, MONDO:0007424, OMIM 124900.
Progressive microcephaly-seizures-cortical blindness-developmental delay syndrome. Also called: Seizures, cortical blindness, and microcephaly syndrome. Identifiers: Orphanet 477814, MedGen C5567650, MONDO:0014714, OMIM 616632.

gnomAD v4.1: 1 of 229,096 alleles (0.00044%); highest among the groups gnomAD compares: South Asian, 0.0053%; no homozygotes.

Submission:

Labcorp Genetics (formerly Invitae), Labcorp
Classification: Uncertain significance for Progressive microcephaly-seizures-cortical blindness-developmental delay syndrome; Autosomal dominant nonsyndromic hearing loss 1. Last evaluated: 2023-11-24. Review status: criteria provided, single submitter. Criteria: Invitae Variant Classification Sherloc (09022015). Collection method: clinical testing. Allele origin: germline.
Comment: This sequence change falls in intron 23 of the DIAPH1 gene. It does not directly change the encoded amino acid sequence of the DIAPH1 protein. It affects a nucleotide within the consensus splice site. The frequency data for this variant in the population databases is considered unreliable, as metrics indicate poor data quality at this position in the gnomAD database. This variant has not been reported in the literature in individuals affected with DIAPH1-related conditions. Variants that disrupt the consensus splice site are a relatively common cause of aberrant splicing (PMID: 17576681, 9536098). Algorithms developed to predict the effect of sequence changes on RNA splicing suggest that this variant is not likely to affect RNA splicing. In summary, the available evidence is currently insufficient to determine the role of this variant in disease. Therefore, it has been classified as a Variant of Uncertain Significance.

Literature cited by the submitters: PubMed 17576681; PubMed 9536098.

NM_005219.5(DIAPH1):c.3149-3T>A

Gene: DIAPH1 (diaphanous related formin 1; minus strand). Cytogenetic location: 5q31.3.
Variant type: single nucleotide variant.
Coding change: c.3149-3T>A on transcript NM_005219.5 (MANE Select); 3 bases into the intron before coding-DNA position 3149, T replaced by A.
Molecular consequence: intron variant.
Genome position (GRCh38, 1-based): chr5:141,527,700, A>T on the plus strand (T>A on the coding strand, the complement: DIAPH1 is on the minus strand). VCF-style: chr5-141527700-A-T. GRCh37 (hg19) VCF-style: chr5-140907267-A-T.
Other names: c.3122-3T>A (NM_001079812.3); c.3149-3T>A (NM_001314007.2).
Identifiers: ClinVar variation 2954188 (VCV002954188.3), dbSNP rs747213946, ClinGen allele CA563365303.